The following is an entry in ClinVar:

NM_004247.4(EFTUD2):c.568_569del (p.Leu190fs)

Gene: EFTUD2 (elongation factor Tu GTP binding domain containing 2; minus strand). Cytogenetic location: 17q21.31.
Variant type: Deletion.
Coding change: c.568_569del on transcript NM_004247.4 (MANE Select); coding-DNA positions 568 to 569, 2 bases deleted (TT; older notation c.568_569delTT).
Protein change: p.Leu190fs; shifts the reading frame from leucine 190.
Molecular consequence: frameshift variant.
Genome position (GRCh38, 1-based): chr17:44,880,604-44,880,605, AA deleted on the plus strand (TT on the coding strand, the reverse complement: EFTUD2 is on the minus strand). VCF-style (leftmost placement, unchanged base first): chr17-44880603-CAA-C. GRCh37 (hg19) VCF-style: chr17-42957971-CAA-C.
Other names: c.463_464del, p.Leu155fs (NM_001142605.2); c.568_569del, p.Leu190fs (NM_001258353.2); c.538_539del, p.Leu180fs (NM_001258354.2); short protein forms L155fs, L180fs, L190fs.
Identifiers: ClinVar variation 3340492 (VCV003340492.3).

ClinVar aggregate classification (germline): Pathogenic/Likely pathogenic. Review status: criteria provided, multiple submitters, no conflicts (2 of 4 stars). 2 submissions from 2 submitters: Pathogenic (1); Likely pathogenic (1). Last evaluated 2025-10-11.

Conditions:
Mandibulofacial dysostosis-microcephaly syndrome (MFDGA). Also called: Growth and mental retardation, mandibulofacial dysostosis, microcephaly, and cleft palate; Mandibulofacial dysostosis, Guion-Almeida type. Identifiers: Orphanet 79113, MedGen C1864652, MONDO:0012516, OMIM 610536.

Submissions (2):

Medical and Scientific Branch, Hong Kong Genome Institute
Classification: Pathogenic for Mandibulofacial dysostosis-microcephaly syndrome. Last evaluated: 2025-10-11. Review status: criteria provided, single submitter. Criteria: ACMG Guidelines, 2015. Collection method: clinical testing. Allele origin: de novo. Affected: yes.

Division of Genetic & Genomic Pathology, Hong Kong Children's Hospital
Classification: Likely pathogenic for Mandibulofacial dysostosis-microcephaly syndrome. Last evaluated: 2024-09-16. Review status: criteria provided, single submitter. Criteria: ACMG Guidelines, 2015. Collection method: clinical testing. Allele origin: germline. Affected: yes. Observed: 1 variant allele.
Comment: The EFTUD2 c.568_569del variant is predicted to result in frameshift and premature termination, and loss of function is a known mechanism of ETFUD2-related mandibulofacial dysostosis (PMID: 23188108, 24470203). This variant has not been previously reported in the Human Genome Mutation Database, but other heterozygous downstream truncating variants in the EFTUD2 gene have been reported as pathogenic in individuals with Mandibulofacial dysostosis (HGMD Professional 2024.2). This variant was absent from the Genome Aggregation Database (gnomAD 2.1.1 and gnomAD 4.1.0)